The following is an entry in ClinVar:

NM_001142864.4(PIEZO1):c.1093C>T (p.Arg365Trp)

Genes: HSALR1 (HSP90AB1 associated lncRNA 1; plus strand), PIEZO1 (piezo type mechanosensitive ion channel component 1 (Er blood group); minus strand). Cytogenetic location: 16q24.3.
Variant type: single nucleotide variant.
Coding change: c.1093C>T on transcript NM_001142864.4 (MANE Select); coding-DNA position 1093, C replaced by T.
Protein change: p.Arg365Trp; replaces arginine 365 with tryptophan.
Molecular consequence: missense variant.
Genome position (GRCh38, 1-based): chr16:88,737,742, G>A on the plus strand (C>T on the coding strand, the complement: PIEZO1 is on the minus strand). VCF-style: chr16-88737742-G-A. GRCh37 (hg19) VCF-style: chr16-88804150-G-A.
Other names: short protein forms R365W.
Identifiers: ClinVar variation 3043344 (VCV003043344.3), dbSNP rs150162512, ClinGen allele CA8233123.

ClinVar aggregate classification (germline): Uncertain significance. Review status: criteria provided, single submitter (1 of 4 stars). 2 submissions from 2 submitters: Uncertain significance (1). 1 of the submissions does not count toward it. Last evaluated 2024-07-16.

Conditions:
PIEZO1-related disorder. Also called: PIEZO1-related condition; PIEZO1-Related Disorders.

Allele frequency attached by ClinVar (database versions not stated): 1000 Genomes Project 30x 0.00016; ESP Exome Variant Server 0.00022; 1000 Genomes Project 0.00020.
gnomAD v4.1: 25 of 1,535,466 alleles (0.0016%); highest among the groups gnomAD compares: South Asian, 0.0071%; no homozygotes.

Submissions (2):

Revvity Omics, Revvity
Classification: Uncertain significance. Last evaluated: 2024-07-16. Review status: criteria provided, single submitter. Criteria: ACMG Guidelines, 2015. Collection method: clinical testing. Allele origin: germline.

PreventionGenetics, part of Exact Sciences
Classification: Uncertain significance for PIEZO1-related condition. Last evaluated: 2024-01-11. Review status: no assertion criteria provided. Collection method: clinical testing. Allele origin: germline. Not counted in ClinVar's aggregate classification.
Comment: The PIEZO1 c.1093C>T variant is predicted to result in the amino acid substitution p.Arg365Trp. To our knowledge, this variant has not been reported in the literature. This variant is reported in 0.018% of alleles in individuals of South Asian descent in gnomAD. At this time, the clinical significance of this variant is uncertain due to the absence of conclusive functional and genetic evidence.